The following is an entry in ClinVar:

ClinVar aggregate classification (germline): Uncertain significance. Review status: criteria provided, multiple submitters, no conflicts (2 of 4 stars). 3 submissions from 3 submitters: Uncertain significance (3). Last evaluated 2024-04-16.

Conditions:
Familial adenomatous polyposis 1 (FAP1). Also called: FAMILIAL ADENOMATOUS POLYPOSIS 1, ATTENUATED; POLYPOSIS, ADENOMATOUS INTESTINAL. Identifiers: MedGen C2713442, MONDO:0021056, OMIM 175100. Disease mechanism: loss of function.
Hereditary cancer-predisposing syndrome. Also called: Neoplastic Syndromes, Hereditary; Tumor predisposition; Hereditary neoplastic syndrome; Hereditary Cancer Syndrome. Identifiers: Orphanet 140162, MedGen C0027672, MeSH D009386, MONDO:0015356.

Allele frequency attached by ClinVar (database versions not stated): gnomAD exomes below 0.00001.
gnomAD v4.1: 1 of 1,613,900 alleles (0.000062%); highest among the groups gnomAD compares: South Asian, 0.0011%; no homozygotes.

Submissions (3):

Labcorp Genetics (formerly Invitae), Labcorp
Classification: Uncertain significance for Familial adenomatous polyposis 1. Last evaluated: 2024-04-16. Review status: criteria provided, single submitter. Criteria: Invitae Variant Classification Sherloc (09022015). Collection method: clinical testing. Allele origin: germline.
Comment: This sequence change replaces serine, which is neutral and polar, with phenylalanine, which is neutral and non-polar, at codon 1937 of the APC protein (p.Ser1937Phe). This variant is not present in population databases (gnomAD no frequency). This variant has not been reported in the literature in individuals affected with APC-related conditions. ClinVar contains an entry for this variant (Variation ID: 566948). Advanced modeling of protein sequence and biophysical properties (such as structural, functional, and spatial information, amino acid conservation, physicochemical variation, residue mobility, and thermodynamic stability) performed at Invitae indicates that this missense variant is not expected to disrupt APC protein function with a negative predictive value of 95%. In summary, the available evidence is currently insufficient to determine the role of this variant in disease. Therefore, it has been classified as a Variant of Uncertain Significance.

Baylor Genetics
Classification: Uncertain significance for Familial adenomatous polyposis 1. Last evaluated: 2024-03-01. Review status: criteria provided, single submitter. Criteria: ACMG Guidelines, 2015. Collection method: clinical testing. Allele origin: unknown.

Ambry Genetics
Classification: Uncertain significance for Hereditary cancer-predisposing syndrome. Last evaluated: 2024-01-26. Review status: criteria provided, single submitter. Criteria: Ambry Variant Classification Scheme 2023. Collection method: clinical testing. Allele origin: germline.
Comment: The p.S1937F variant (also known as c.5810C>T), located in coding exon 15 of the APC gene, results from a C to T substitution at nucleotide position 5810. The serine at codon 1937 is replaced by phenylalanine, an amino acid with highly dissimilar properties. This amino acid position is well conserved in available vertebrate species. In addition, in silico predictors for this gene do not accurately predict pathogenicity. Based on the available evidence, the clinical significance of this alteration remains unclear.

NM_000038.6(APC):c.5810C>T (p.Ser1937Phe)

Gene: APC (APC regulator of Wnt signaling pathway; plus strand). Cytogenetic location: 5q22.2.
Variant type: single nucleotide variant.
Coding change: c.5810C>T on transcript NM_000038.6 (MANE Select); coding-DNA position 5810, C replaced by T.
Protein change: p.Ser1937Phe; replaces serine 1937 with phenylalanine.
Molecular consequence: missense variant.
Genome position (GRCh38, 1-based): chr5:112,841,404, C>T. VCF-style: chr5-112841404-C-T. GRCh37 (hg19) VCF-style: chr5-112177101-C-T.
Other names: c.5810C>T, p.Ser1937Phe (NM_001354895.2, NM_001127510.3); c.5864C>T, p.Ser1955Phe (NM_001354896.2); c.5756C>T, p.Ser1919Phe (NM_001127511.3); c.5840C>T, p.Ser1947Phe (NM_001354897.2); c.5735C>T, p.Ser1912Phe (NM_001354898.2); c.5726C>T, p.Ser1909Phe (NM_001354899.2); c.5687C>T, p.Ser1896Phe (NM_001354900.2); c.5633C>T, p.Ser1878Phe (NM_001354901.2); and 5 more; short protein forms S1937F, S1919F, S1846F, S1878F, S1912F, S1955F, S1777F, S1654F.
Identifiers: ClinVar variation 566948 (VCV000566948.15), dbSNP rs1561602823, ClinGen allele CA16034043.